The following is an entry in ClinVar:

ClinVar aggregate classification (germline): Likely pathogenic (1 of 4 stars; one submission).

Conditions:
Neurofibromatosis, type 1 (NF1). Also called: Neurofibromatosis, type I; VON RECKLINGHAUSEN DISEASE; NEUROFIBROMATOSIS, TYPE I, SOMATIC; Peripheral type neurofibromatosis. Identifiers: Orphanet 636, MedGen C0027831, MONDO:0018975, OMIM 162200. Disease mechanism: loss of function.

Submission:

Juno Genomics, Hangzhou Juno Genomics, Inc
Classification: Likely pathogenic for Neurofibromatosis, type 1. Review status: criteria provided, single submitter. Criteria: ACMG Guidelines, 2015. Collection method: clinical testing. Allele origin: germline. Affected: yes.
Comment: Absent from controls (or at extremely low frequency if recessive) in Genome Aggregation Database, Exome Sequencing Project, 1000 Genomes Project, or Exome Aggregation Consortium.;Null variant in a gene where loss of function (LOF) is a known mechanism of disease.

NM_001042492.3(NF1):c.2441del (p.Lys814fs)

Gene: NF1 (neurofibromin 1; plus strand). Cytogenetic location: 17q11.2.
Variant type: Deletion.
Coding change: c.2441del on transcript NM_001042492.3 (MANE Select); coding-DNA position 2441, one base deleted (A; older notation c.2441delA).
Protein change: p.Lys814fs; shifts the reading frame from lysine 814.
Molecular consequence: frameshift variant.
Genome position (GRCh38, 1-based): chr17:31,229,056, A deleted; the last of 2 consecutive A bases (chr17:31,229,055-31,229,056); deleting either gives the same sequence. VCF-style (leftmost placement, unchanged base first): chr17-31229054-TA-T. GRCh37 (hg19) VCF-style: chr17-29556072-TA-T.
Other names: c.2441delA, p.Lys814Argfs (NM_000267.4); short protein forms K814fs.
Identifiers: ClinVar variation 3382477 (VCV003382477.2).
Genomic context (GRCh38, chr17:31,229,054, plus strand): 5'-TTCATGCTTTGCACAAAAATTTTGTGTTTAGGCTGCTGAAAGCCTTCACAAGACCATTGT[TA>T]AGAGGCGAATGTCCCATGTGAGTGGAGGAGGATCCATAGATTTGTCTGACACAGACTCCC-3'